The following is an entry in ClinVar:

NM_004448.4(ERBB2):c.877G>A (p.Ala293Thr)

Gene: ERBB2 (erb-b2 receptor tyrosine kinase 2; plus strand). Cytogenetic location: 17q12.
Variant type: single nucleotide variant.
Coding change: c.877G>A on transcript NM_004448.4 (MANE Select); coding-DNA position 877, G replaced by A.
Protein change: p.Ala293Thr; replaces alanine 293 with threonine.
Molecular consequence: missense variant. On other transcripts: non-coding transcript variant (1), intron variant (2).
Genome position (GRCh38, 1-based): chr17:39,710,457, G>A. VCF-style: chr17-39710457-G-A. GRCh37 (hg19) VCF-style: chr17-37866710-G-A.
Other names: c.787G>A, p.Ala263Thr (NM_001005862.3, NM_001289938.2, NM_001382782.1 and 1 more transcripts); c.832G>A, p.Ala278Thr (NM_001289936.2); c.877G>A, p.Ala293Thr (NM_001289937.2, NM_001382784.1, NM_001382785.1 and 16 more transcripts); c.952G>A, p.Ala318Thr (NM_001382787.1); c.868G>A, p.Ala290Thr (NM_001382791.1); c.697G>A, p.Ala233Thr (NM_001382799.1); c.643+576G>A (NM_001382802.1); c.74-1471G>A (NM_001382804.1); short protein forms A290T, A233T, A278T, A293T, A263T, A318T.
Identifiers: ClinVar variation 1979243 (VCV001979243.4), dbSNP rs1258412021, ClinGen allele CA399279749.

ClinVar aggregate classification (germline): Uncertain significance (1 of 4 stars; one submission).

Allele frequency attached by ClinVar (database versions not stated): TOPMed below 0.00001; gnomAD exomes 0.00001.

Submission:

Labcorp Genetics (formerly Invitae), Labcorp
Classification: Uncertain significance. Last evaluated: 2025-07-21. Review status: criteria provided, single submitter. Criteria: Invitae Variant Classification Sherloc (09022015). Collection method: clinical testing. Allele origin: germline.
Comment: This sequence change replaces alanine, which is neutral and non-polar, with threonine, which is neutral and polar, at codon 293 of the ERBB2 protein (p.Ala293Thr). This variant is present in population databases (no rsID available, gnomAD 0.0009%). This variant has not been reported in the literature in individuals affected with ERBB2-related conditions. ClinVar contains an entry for this variant (Variation ID: 1979243). Invitae Evidence Modeling of protein sequence and biophysical properties (such as structural, functional, and spatial information, amino acid conservation, physicochemical variation, residue mobility, and thermodynamic stability) indicates that this missense variant is not expected to disrupt ERBB2 protein function with a negative predictive value of 80%. In summary, the available evidence is currently insufficient to determine the role of this variant in disease. Therefore, it has been classified as a Variant of Uncertain Significance.